The following is an entry in ClinVar:

NM_001943.5(DSG2):c.2098A>G (p.Ser700Gly)

Genes: DSG2-AS1 (DSG2 antisense RNA 1; minus strand), DSG2 (desmoglein 2; plus strand). Cytogenetic location: 18q12.1.
Variant type: single nucleotide variant.
Coding change: c.2098A>G on transcript NM_001943.5 (MANE Select); coding-DNA position 2098, A replaced by G.
Protein change: p.Ser700Gly; replaces serine 700 with glycine.
Molecular consequence: missense variant.
Genome position (GRCh38, 1-based): chr18:31,542,616, A>G. VCF-style: chr18-31542616-A-G. GRCh37 (hg19) VCF-style: chr18-29122579-A-G.
Other names: short protein forms S700G.
Identifiers: ClinVar variation 2044817 (VCV002044817.4), dbSNP rs2510920660, ClinGen allele CA402141677.
Genomic context (GRCh38, chr18:31,542,616, plus strand): 5'-AGTCTAGTAGGAAGAAATGGAGTAGGAGGTATGGCCAAGGAAGCCACGATGAAAGGAAGT[A>G]GCTCTGCTTCCATTGTCAAAGGGCAACATGAGATGTCCGAGATGGATGGAAGGTGGGAAG-3'
Protein context (NP_001934.2, residues 690-710): MAKEATMKGS[Ser700Gly]SASIVKGQHE

ClinVar aggregate classification (germline): Uncertain significance (1 of 4 stars; one submission).

Conditions:
Arrhythmogenic right ventricular dysplasia 10. Also called: Arrhythmogenic right ventricular dysplasia/cardiomyopathy, type 10; ARRHYTHMOGENIC RIGHT VENTRICULAR DYSPLASIA, FAMILIAL, 10; Arrhythmogenic Right Ventricular Dysplasia/Cardiomyopathy10. Identifiers: MedGen C1857777, MONDO:0012434, OMIM 610193.

Submission:

Labcorp Genetics (formerly Invitae), Labcorp
Classification: Uncertain significance for Arrhythmogenic right ventricular dysplasia 10. Last evaluated: 2021-12-17. Review status: criteria provided, single submitter. Criteria: Invitae Variant Classification Sherloc (09022015). Collection method: clinical testing. Allele origin: germline.
Comment: In summary, the available evidence is currently insufficient to determine the role of this variant in disease. Therefore, it has been classified as a Variant of Uncertain Significance. This sequence change replaces serine, which is neutral and polar, with glycine, which is neutral and non-polar, at codon 700 of the DSG2 protein (p.Ser700Gly). This variant is not present in population databases (gnomAD no frequency). This variant has not been reported in the literature in individuals affected with DSG2-related conditions. Algorithms developed to predict the effect of missense changes on protein structure and function are either unavailable or do not agree on the potential impact of this missense change (SIFT: "Deleterious"; PolyPhen-2: "Benign"; Align-GVGD: "Class C0").